The following is an entry in ClinVar:

ClinVar aggregate classification (germline): Uncertain significance (1 of 4 stars; one submission).

Allele frequency attached by ClinVar (database versions not stated): gnomAD exomes below 0.00001; gnomAD 0.00001; TOPMed 0.00002.
gnomAD v4.1: 3 of 1,613,328 alleles (0.00019%); highest among the groups gnomAD compares: African/African-American, 0.004%; no homozygotes.

Submission:

Labcorp Genetics (formerly Invitae), Labcorp
Classification: Uncertain significance. Last evaluated: 2022-08-31. Review status: criteria provided, single submitter. Criteria: Invitae Variant Classification Sherloc (09022015). Collection method: clinical testing. Allele origin: germline.
Comment: This sequence change replaces serine, which is neutral and polar, with proline, which is neutral and non-polar, at codon 192 of the LAMC3 protein (p.Ser192Pro). This variant is not present in population databases (gnomAD no frequency). This variant has not been reported in the literature in individuals affected with LAMC3-related conditions. ClinVar contains an entry for this variant (Variation ID: 1479806). Algorithms developed to predict the effect of missense changes on protein structure and function (SIFT, PolyPhen-2, Align-GVGD) all suggest that this variant is likely to be tolerated. In summary, the available evidence is currently insufficient to determine the role of this variant in disease. Therefore, it has been classified as a Variant of Uncertain Significance.

NM_006059.4(LAMC3):c.574T>C (p.Ser192Pro)

Gene: LAMC3 (laminin subunit gamma 3; plus strand). Cytogenetic location: 9q34.12.
Variant type: single nucleotide variant.
Coding change: c.574T>C on transcript NM_006059.4 (MANE Select); coding-DNA position 574, T replaced by C.
Protein change: p.Ser192Pro; replaces serine 192 with proline.
Molecular consequence: missense variant.
Genome position (GRCh38, 1-based): chr9:131,026,485, T>C. VCF-style: chr9-131026485-T-C. GRCh37 (hg19) VCF-style: chr9-133901872-T-C.
Other names: short protein forms S192P.
Identifiers: ClinVar variation 1479806 (VCV001479806.5), dbSNP rs1430353433, ClinGen allele CA375252771.
Genomic context (GRCh38, chr9:131,026,485, plus strand): 5'-GGCCGGCCCGAGGGCCAGTACCTGCGCCCCGGCGAGGACGAGCGCGTGGCCTTCTGCACC[T>C]CTGAGTTCAGCGACATCTCCCCGCTGAGTGGCGGCAACGTGGCCTTCTCCACCCTGGAGG-3'
Protein context (NP_006050.3, residues 182-202): GEDERVAFCT[Ser192Pro]EFSDISPLSG